The following is an entry in ClinVar:

NM_005157.6(ABL1):c.2803A>C (p.Thr935Pro)

Gene: ABL1 (ABL proto-oncogene 1, non-receptor tyrosine kinase; plus strand). Cytogenetic location: 9q34.12.
Variant type: single nucleotide variant.
Coding change: c.2803A>C on transcript NM_005157.6 (MANE Select); coding-DNA position 2803, A replaced by C.
Protein change: p.Thr935Pro; replaces threonine 935 with proline.
Molecular consequence: missense variant.
Genome position (GRCh38, 1-based): chr9:130,885,093, A>C. VCF-style: chr9-130885093-A-C. GRCh37 (hg19) VCF-style: chr9-133760480-A-C.
Other names: c.2860A>C, p.Thr954Pro (NM_007313.3); short protein forms T935P, T954P.
Identifiers: ClinVar variation 4774642 (VCV004774642.1).

ClinVar aggregate classification (germline): Uncertain significance (1 of 4 stars; one submission).

gnomAD v4.1: 2 of 1,610,484 alleles (0.00012%); highest among the groups gnomAD compares: Non-Finnish European, 0.00017%; no homozygotes.

Submission:

Labcorp Genetics (formerly Invitae), Labcorp
Classification: Uncertain significance. Last evaluated: 2025-11-08. Review status: criteria provided, single submitter. Criteria: Invitae Variant Classification Sherloc (09022015). Collection method: clinical testing. Allele origin: germline.
Comment: This sequence change replaces threonine, which is neutral and polar, with proline, which is neutral and non-polar, at codon 954 of the ABL1 protein (p.Thr954Pro). This variant is not present in population databases (gnomAD no frequency). This variant has not been reported in the literature in individuals affected with ABL1-related conditions. Invitae Evidence Modeling of protein sequence and biophysical properties (such as structural, functional, and spatial information, amino acid conservation, physicochemical variation, residue mobility, and thermodynamic stability) indicates that this missense variant is not expected to disrupt ABL1 protein function with a negative predictive value of 95%. In summary, the available evidence is currently insufficient to determine the role of this variant in disease. Therefore, it has been classified as a Variant of Uncertain Significance.